The following is an entry in ClinVar:

ClinVar aggregate classification (germline): Uncertain significance (1 of 4 stars; one submission).

Conditions:
Hereditary cancer-predisposing syndrome. Also called: Neoplastic Syndromes, Hereditary; Tumor predisposition; Hereditary neoplastic syndrome; Hereditary Cancer Syndrome. Identifiers: Orphanet 140162, MedGen C0027672, MeSH D009386, MONDO:0015356.

Submission:

Ambry Genetics
Classification: Uncertain significance for Hereditary cancer-predisposing syndrome. Last evaluated: 2023-11-02. Review status: criteria provided, single submitter. Criteria: Ambry Variant Classification Scheme 2023. Collection method: clinical testing. Allele origin: germline.
Comment: The c.3937_4072del136 variant, located in coding exon 23 of the PTCH1 gene, results from a deletion of 136 nucleotides at nucleotide positions 3937 to 4072, causing a translational frameshift with a predicted alternate stop codon (p.P1313Afs*14). This alteration occurs at the 3' terminus of the PTCH1 gene, is not expected to trigger nonsense-mediated mRNA decay, and only impacts the last 9.4% of the protein. The exact functional effect of this alteration is unknown. Since supporting evidence is limited at this time, the clinical significance of this alteration remains unclear.

NM_000264.5(PTCH1):c.3937_4072del (p.Pro1313fs)

Gene: PTCH1 (patched 1; minus strand). Cytogenetic location: 9q22.32.
Variant type: Deletion.
Coding change: c.3937_4072del on transcript NM_000264.5 (MANE Select); coding-DNA positions 3937 to 4072, 136 bases deleted.
Protein change: p.Pro1313fs; shifts the reading frame from proline 1313.
Molecular consequence: frameshift variant. On other transcripts: non-coding transcript variant (1).
Genome position (GRCh38, 1-based): chr9:95,447,184-95,447,319, 136 bases deleted. GRCh37 (hg19): chr9:98,209,469-98,209,604.
Other names: c.3739_3874del, p.Pro1247fs (NM_001083602.3); c.3934_4069del, p.Pro1312fs (NM_001083603.3); c.3484_3619del, p.Pro1162fs (NM_001083604.3, NM_001083605.3, NM_001083606.3 and 1 more transcripts); c.3781_3916del, p.Pro1261fs (NM_001354918.2); c.3937_4072del136 (NM_000264.3); short protein forms P1162fs, P1247fs, P1261fs, P1312fs, P1313fs.
Identifiers: ClinVar variation 3231033 (VCV003231033.1), dbSNP rs2537998861, ClinGen allele CA2825001645.